The following is an entry in ClinVar:

NM_001379500.1(COL18A1):c.107-12131C>T

Gene: COL18A1 (collagen type XVIII alpha 1 chain; plus strand). Cytogenetic location: 21q22.3.
Variant type: single nucleotide variant.
Coding change: c.107-12131C>T on transcript NM_001379500.1 (MANE Select); 12131 bases into the intron before coding-DNA position 107, C replaced by T.
Molecular consequence: intron variant. On other transcripts: missense variant (2).
Genome position (GRCh38, 1-based): chr21:45,456,111, C>T. VCF-style: chr21-45456111-C-T. GRCh37 (hg19) VCF-style: chr21-46876025-C-T.
Other names: c.581C>T, p.Ser194Leu (NM_030582.4, NM_130444.3); short protein forms S194L.
Identifiers: ClinVar variation 1028385 (VCV001028385.7), dbSNP rs758609359, ClinGen allele CA10065517.
Genomic context (GRCh38, chr21:45,456,111, plus strand): 5'-TTCCTAGCTCTCCGGGCGCCCACACAACCGAGGCTGGCACCTTGCCTGCACCCACCCCAT[C>T]GCCTCCCTCCCTGGGCAGGCCCTGGGCACCACTCACGGGGCCCTCAGTGCCACCACCATC-3'

ClinVar aggregate classification (germline): Uncertain significance. Review status: criteria provided, multiple submitters, no conflicts (2 of 4 stars). 4 submissions from 4 submitters: Uncertain significance (4). Last evaluated 2022-10-13.

Conditions:
Knobloch syndrome (KNO). Also called: Myopia retinal detachment encephalocele; RETINAL DETACHMENT AND OCCIPITAL ENCEPHALOCELE. Identifiers: Orphanet 1571, MedGen C1849409, MONDO:0800166.
Inborn genetic diseases. Identifiers: MedGen C0950123, MeSH D030342.
Hereditary glaucoma, primary closed-angle. Also called: Glaucoma, primary closed-angle. Identifiers: MedGen C5394374, MONDO:0030038, OMIM 618880.

Allele frequency attached by ClinVar (database versions not stated): gnomAD exomes 0.00002 and 0.00006; TOPMed 0.00003; gnomAD 0.00005; ExAC 0.00006.
gnomAD v4.1: 45 of 1,587,812 alleles (0.0028%); highest among the groups gnomAD compares: Middle Eastern, 0.05%; no homozygotes.

Submissions (4):

Labcorp Genetics (formerly Invitae), Labcorp
Classification: Uncertain significance. Last evaluated: 2022-10-13. Review status: criteria provided, single submitter. Criteria: Invitae Variant Classification Sherloc (09022015). Collection method: clinical testing. Allele origin: germline.
Comment: The COL18A1 gene has multiple clinically relevant transcripts. This variant occurs in alternate transcript NM_030582.3, and corresponds to NM_130445.3:c.107-12131C>T in the primary transcript. This sequence change replaces serine, which is neutral and polar, with leucine, which is neutral and non-polar, at codon 194 of the COL18A1 protein (p.Ser194Leu). This variant is present in population databases (rs758609359, gnomAD 0.02%). This variant has not been reported in the literature in individuals affected with COL18A1-related conditions. ClinVar contains an entry for this variant (Variation ID: 1028385). Experimental studies and prediction algorithms are not available or were not evaluated, and the functional significance of this variant is currently unknown. Algorithms developed to predict the effect of sequence changes on RNA splicing suggest that this variant is not likely to affect RNA splicing. In summary, the available evidence is currently insufficient to determine the role of this variant in disease. Therefore, it has been classified as a Variant of Uncertain Significance.

Ambry Genetics
Classification: Uncertain significance for Inborn genetic diseases. Last evaluated: 2022-01-13. Review status: criteria provided, single submitter. Criteria: Ambry Variant Classification Scheme 2023. Collection method: clinical testing. Allele origin: germline.

MGZ Medical Genetics Center
Classification: Uncertain significance for Hereditary glaucoma, primary closed-angle. Last evaluated: 2021-09-06. Review status: criteria provided, single submitter. Criteria: ACMG Guidelines, 2015. Collection method: clinical testing. Allele origin: germline. Affected: yes. Observed: 1 variant allele.
Comment: ACMG criteria applied: PM2_SUP, BP4

Baylor Genetics
Classification: Uncertain significance for Knobloch syndrome 1. Last evaluated: 2019-11-25. Review status: criteria provided, single submitter. Criteria: ACMG Guidelines, 2015. Collection method: clinical testing. Allele origin: unknown. Affected: yes.
Comment: This variant was determined to be of uncertain significance according to ACMG Guidelines, 2015 [PMID:25741868].